The following is an entry in ClinVar:

NM_001130438.3(SPTAN1):c.677T>G (p.Ile226Ser)

Gene: SPTAN1 (spectrin alpha, non-erythrocytic 1; plus strand). Cytogenetic location: 9q34.11.
Variant type: single nucleotide variant.
Coding change: c.677T>G on transcript NM_001130438.3 (MANE Select); coding-DNA position 677, T replaced by G.
Protein change: p.Ile226Ser; replaces isoleucine 226 with serine.
Molecular consequence: missense variant.
Genome position (GRCh38, 1-based): chr9:128,576,848, T>G. VCF-style: chr9-128576848-T-G. GRCh37 (hg19) VCF-style: chr9-131339127-T-G.
Other names: c.677T>G, p.Ile226Ser (NM_001195532.2, NM_001363759.2, NM_001363765.2 and 5 more transcripts); c.713T>G, p.Ile238Ser (NM_001375312.2, NM_001375318.1); c.677T>G (NM_001130438.2); short protein forms I238S, I226S.
Identifiers: ClinVar variation 1986223 (VCV001986223.5), dbSNP rs1160351543, ClinGen allele CA375048058.

ClinVar aggregate classification (germline): Uncertain significance. Review status: criteria provided, multiple submitters, no conflicts (2 of 4 stars). 2 submissions from 2 submitters: Uncertain significance (2). Last evaluated 2023-01-10.

Conditions:
Early-infantile DEE. Also called: Early infantile epileptic encephalopathy with suppression bursts; Early infantile epileptic encephalopathy; Ohtahara syndrome. Identifiers: Orphanet 1934, MedGen C0393706, MONDO:0800491.
Inborn genetic diseases. Identifiers: MedGen C0950123, MeSH D030342.

Allele frequency attached by ClinVar (database versions not stated): gnomAD exomes below 0.00001; TOPMed 0.00002.

Submissions (2):

Labcorp Genetics (formerly Invitae), Labcorp
Classification: Uncertain significance for Early-infantile DEE. Last evaluated: 2023-01-10. Review status: criteria provided, single submitter. Criteria: Invitae Variant Classification Sherloc (09022015). Collection method: clinical testing. Allele origin: germline.
Comment: In summary, the available evidence is currently insufficient to determine the role of this variant in disease. Therefore, it has been classified as a Variant of Uncertain Significance. Algorithms developed to predict the effect of missense changes on protein structure and function (SIFT, PolyPhen-2, Align-GVGD) all suggest that this variant is likely to be disruptive. This variant has not been reported in the literature in individuals affected with SPTAN1-related conditions. This variant is not present in population databases (gnomAD no frequency). This sequence change replaces isoleucine, which is neutral and non-polar, with serine, which is neutral and polar, at codon 226 of the SPTAN1 protein (p.Ile226Ser).

Ambry Genetics
Classification: Uncertain significance for Inborn genetic diseases. Last evaluated: 2022-10-12. Review status: criteria provided, single submitter. Criteria: Ambry Variant Classification Scheme 2023. Collection method: clinical testing. Allele origin: germline.